The following is an entry in ClinVar:

NM_001352027.3(PHF21A):c.1924G>A (p.Gly642Arg)

Gene: PHF21A (PHD finger protein 21A; minus strand). Cytogenetic location: 11p11.2.
Variant type: single nucleotide variant.
Coding change: c.1924G>A on transcript NM_001352027.3 (MANE Select); coding-DNA position 1924, G replaced by A.
Protein change: p.Gly642Arg; replaces glycine 642 with arginine.
Molecular consequence: missense variant. On other transcripts: non-coding transcript variant (2).
Genome position (GRCh38, 1-based): chr11:45,934,090, C>T on the plus strand (G>A on the coding strand, the complement: PHF21A is on the minus strand). VCF-style: chr11-45934090-C-T. GRCh37 (hg19) VCF-style: chr11-45955641-C-T.
Other names: c.1921G>A, p.Gly641Arg (NM_001101802.3); c.1924G>A, p.Gly642Arg (NM_001352025.3, NM_001352026.3); c.1783G>A, p.Gly595Arg (NM_001352028.1, NM_001352029.1, NM_016621.5); c.1780G>A, p.Gly594Arg (NM_001352030.3, NM_001352031.3, NM_001352032.3); short protein forms G594R, G595R, G641R, G642R.
Identifiers: ClinVar variation 2502563 (VCV002502563.2), dbSNP rs2088153601, ClinGen allele CA380253188.
Genomic context (GRCh38, chr11:45,934,090, plus strand): 5'-CCGGCGTGGAGGTGGCGGCATTGGCAGGGGGGGTGCAGTCCGGGCCATTGGAGATGGCCC[C>T]CACAGTGGCCTCAGAGTCTACAGGTTTGGAGAGGTCGATGCCGTGGATGAGGCGAATCAG-3'
Protein context (NP_001338956.1, residues 632-652): SKPVDSEATV[Gly642Arg]AISNGPDCTP

ClinVar aggregate classification (germline): Uncertain significance (1 of 4 stars; one submission).

Allele frequency attached by ClinVar (database versions not stated): TOPMed below 0.00001.

Submission:

GeneDx
Classification: Uncertain significance. Last evaluated: 2026-04-09. Review status: criteria provided, single submitter. Criteria: GeneDx Variant Classification Process June 2021. Collection method: clinical testing. Allele origin: germline.
Comment: Not observed at significant frequency in large population cohorts (gnomAD); In silico analysis suggests that this missense variant does not alter protein structure/function; Has not been previously published as pathogenic or benign to our knowledge